The following is an entry in ClinVar:

ClinVar aggregate classification (germline): Uncertain significance. Review status: criteria provided, single submitter (1 of 4 stars). 2 submissions from 2 submitters: Uncertain significance (1). 1 of the submissions does not count toward it. Last evaluated 2025-12-09.

Conditions:
KSR2-related disorder. Also called: KSR2-related condition.

gnomAD v4.1: 13 of 1,611,066 alleles (0.00081%); highest among the groups gnomAD compares: Middle Eastern, 0.017%; no homozygotes.

Submissions (2):

Ambry Genetics
Classification: Uncertain significance. Last evaluated: 2025-12-09. Review status: criteria provided, single submitter. Criteria: Ambry Variant Classification Scheme 2023. Collection method: clinical testing. Allele origin: germline.

PreventionGenetics, part of Exact Sciences
Classification: Uncertain significance for KSR2-related condition. Last evaluated: 2023-12-01. Review status: no assertion criteria provided. Collection method: clinical testing. Allele origin: germline. Not counted in ClinVar's aggregate classification.
Comment: The KSR2 c.2380C>T variant is predicted to result in the amino acid substitution p.Arg794Cys. To our knowledge, this variant has not been reported in the literature. This variant is reported in 0.0042% of alleles in individuals of African descent in gnomAD. At this time, the clinical significance of this variant is uncertain due to the absence of conclusive functional and genetic evidence.

NM_173598.6(KSR2):c.2467C>T (p.Arg823Cys)

Gene: KSR2 (kinase suppressor of ras 2; minus strand). Cytogenetic location: 12q24.22.
Variant type: single nucleotide variant.
Coding change: c.2467C>T on transcript NM_173598.6 (MANE Select); coding-DNA position 2467, C replaced by T.
Protein change: p.Arg823Cys; replaces arginine 823 with cysteine.
Molecular consequence: missense variant.
Genome position (GRCh38, 1-based): chr12:117,476,579, G>A on the plus strand (C>T on the coding strand, the complement: KSR2 is on the minus strand). VCF-style: chr12-117476579-G-A. GRCh37 (hg19) VCF-style: chr12-117914384-G-A.
Other names: short protein forms R823C.
Identifiers: ClinVar variation 3358744 (VCV003358744.2).
Genomic context (GRCh38, chr12:117,476,579, plus strand): 5'-CGGGGGACAGCTGGCGGATGATCTCTGGTGCCAGGTGGCATAGCCAGCCATTCTGGATGC[G>A]CAGTTTGTCCTCCCGCCTGGAGAAGCAAAGCACAGGATGAGCTCTGTTTCATAGCCCAGG-3'
Protein context (NP_775869.4, residues 813-833): LQAGRREDKL[Arg823Cys]IQNGWLCHLA